The following is an entry in ClinVar:

ClinVar aggregate classification (germline): Uncertain significance (1 of 4 stars; one submission).

Allele frequency attached by ClinVar (database versions not stated): TOPMed 0.00001; ExAC 0.00002; ESP Exome Variant Server 0.00008.

Submission:

Labcorp Genetics (formerly Invitae), Labcorp
Classification: Uncertain significance. Last evaluated: 2022-07-01. Review status: criteria provided, single submitter. Criteria: Invitae Variant Classification Sherloc (09022015). Collection method: clinical testing. Allele origin: germline.
Comment: In summary, the available evidence is currently insufficient to determine the role of this variant in disease. Therefore, it has been classified as a Variant of Uncertain Significance. Algorithms developed to predict the effect of sequence changes on RNA splicing suggest that this variant may create or strengthen a splice site. This variant has not been reported in the literature in individuals affected with FSCN2-related conditions. The frequency data for this variant in the population databases is considered unreliable, as metrics indicate poor data quality at this position in the gnomAD database. This sequence change affects codon 261 of the FSCN2 mRNA. It is a 'silent' change, meaning that it does not change the encoded amino acid sequence of the FSCN2 protein.

NM_012418.4(FSCN2):c.783G>A (p.Val261=)

Gene: FSCN2 (fascin actin-bundling protein 2, retinal; plus strand). Cytogenetic location: 17q25.3.
Variant type: single nucleotide variant.
Coding change: c.783G>A on transcript NM_012418.4 (MANE Select); coding-DNA position 783, G replaced by A.
Protein change: p.Val261=; no amino-acid change (valine 261 retained).
Molecular consequence: synonymous variant.
Genome position (GRCh38, 1-based): chr17:81,529,314, G>A. VCF-style: chr17-81529314-G-A. GRCh37 (hg19) VCF-style: chr17-79496340-G-A.
Other names: c.783G>A, p.Val261= (NM_001077182.3).
Identifiers: ClinVar variation 2012835 (VCV002012835.4), dbSNP rs368281226, ClinGen allele CA8836777.
Genomic context (GRCh38, chr17:81,529,314, plus strand): 5'-CCGAAACACGCGACCTGGCAAGGATGAGCTCTTTGATCTGGAGGAGAGTCACCCACAGGT[G>A]GTGCTGGTGGCTGCCAACCACCGCTACGTCTCTGTGCGGCAAGGTAGGGAGGGCACAGGT-3'
Protein context (NP_036550.1, residues 251-271): LFDLEESHPQ[Val261=]VLVAANHRYV